The following is an entry in ClinVar:

ClinVar aggregate classification (germline): Uncertain significance. Review status: criteria provided, multiple submitters, no conflicts (2 of 4 stars). 5 submissions from 5 submitters: Uncertain significance (5). Last evaluated 2026-04-22.

Conditions:
Noonan syndrome and Noonan-related syndrome. Identifiers: Orphanet 98733, MedGen C5681679, MONDO:0020297.
Monogenic short statue.
Cardiovascular phenotype. Identifiers: MedGen CN230736.
Noonan syndrome 8 (NS8). Identifiers: Orphanet 648, MedGen C3809233, MONDO:0014143, OMIM 615355.

Allele frequency attached by ClinVar (database versions not stated): gnomAD exomes 0.00001 and below 0.00001; TOPMed 0.00008; ExAC 0.00001; gnomAD 0.00003 and 0.00004.
gnomAD v4.1: 12 of 1,613,970 alleles (0.00074%); highest among the groups gnomAD compares: African/African-American, 0.015%; no homozygotes.

Submissions (5):

NHS Central & South Genomic Laboratory Hub
Classification: Uncertain significance for Monogenic short statue. Last evaluated: 2026-04-22. Review status: criteria provided, single submitter. Criteria: ACMG Guidelines, 2015. Collection method: clinical testing. Allele origin: germline. Affected: yes.

Labcorp Genetics (formerly Invitae), Labcorp
Classification: Uncertain significance for Noonan syndrome 8. Last evaluated: 2026-02-03. Review status: criteria provided, single submitter. Criteria: Invitae Variant Classification Sherloc (09022015). Collection method: clinical testing. Allele origin: germline.
Comment: This sequence change replaces phenylalanine, which is neutral and non-polar, with tyrosine, which is neutral and polar, at codon 114 of the RIT1 protein (p.Phe114Tyr). This variant is present in population databases (rs745807905, gnomAD 0.01%). This variant has not been reported in the literature in individuals affected with RIT1-related conditions. ClinVar contains an entry for this variant (Variation ID: 1334275). Invitae Evidence Modeling incorporating data from in vitro experimental studies (internal data) indicates that this missense variant is not expected to disrupt RIT1 function with a negative predictive value of 95%. Algorithms developed to predict the effect of sequence changes on RNA splicing suggest that this variant may create or strengthen a splice site. In summary, the available evidence is currently insufficient to determine the role of this variant in disease. Therefore, it has been classified as a Variant of Uncertain Significance.

Ambry Genetics
Classification: Uncertain significance for Cardiovascular phenotype. Last evaluated: 2025-08-28. Review status: criteria provided, single submitter. Criteria: Ambry Variant Classification Scheme 2023. Collection method: clinical testing. Allele origin: germline.
Comment: The p.F114Y variant (also known as c.341T>A), located in coding exon 4 of the RIT1 gene, results from a T to A substitution at nucleotide position 341. The phenylalanine at codon 114 is replaced by tyrosine, an amino acid with highly similar properties. This amino acid position is highly conserved in available vertebrate species. In addition, the in silico prediction for this alteration is inconclusive. Since supporting evidence is limited at this time, the clinical significance of this alteration remains unclear.

Genome-Nilou Lab
Classification: Uncertain significance for Noonan syndrome 8. Last evaluated: 2023-04-11. Review status: criteria provided, single submitter. Criteria: ACMG Guidelines, 2015. Collection method: clinical testing. Allele origin: germline. Affected: no.

Genome Diagnostics Laboratory, The Hospital for Sick Children
Classification: Uncertain significance for Noonan syndrome and Noonan-related syndrome. Last evaluated: 2020-10-08. Review status: criteria provided, single submitter. Criteria: ACMG Guidelines, 2015. Collection method: clinical testing. Allele origin: germline.

NM_006912.6(RIT1):c.341T>A (p.Phe114Tyr)

Gene: RIT1 (Ras like without CAAX 1; minus strand). Cytogenetic location: 1q22.
Variant type: single nucleotide variant.
Coding change: c.341T>A on transcript NM_006912.6 (MANE Select); coding-DNA position 341, T replaced by A.
Protein change: p.Phe114Tyr; replaces phenylalanine 114 with tyrosine.
Molecular consequence: missense variant.
Genome position (GRCh38, 1-based): chr1:155,904,399, A>T on the plus strand (T>A on the coding strand, the complement: RIT1 is on the minus strand). VCF-style: chr1-155904399-A-T. GRCh37 (hg19) VCF-style: chr1-155874190-A-T.
Other names: c.233T>A, p.Phe78Tyr (NM_001256820.2); c.392T>A, p.Phe131Tyr (NM_001256821.2); short protein forms F114Y, F131Y, F78Y.
Identifiers: ClinVar variation 1334275 (VCV001334275.16), dbSNP rs745807905, ClinGen allele CA1151807.